The following is an entry in ClinVar:

ClinVar aggregate classification (germline): Likely benign. Review status: criteria provided, multiple submitters, no conflicts (2 of 4 stars). 2 submissions from 2 submitters: Likely benign (2). Last evaluated 2026-05-01.

gnomAD v4.1: 118 of 1,614,118 alleles (0.0073%); highest among the groups gnomAD compares: African/African-American, 0.099%; no homozygotes.

Submissions (2):

CeGaT Center for Human Genetics Tuebingen
Classification: Likely benign. Last evaluated: 2026-05-01. Review status: criteria provided, single submitter. Criteria: CeGaT Center For Human Genetics Tuebingen Variant Classification Criteria Version 2. Collection method: clinical testing. Allele origin: germline. Affected: yes. Observed: 1 variant allele.
Comment: SRRM2: BP4, BP7

Blueprint Genetics
Classification: Likely benign. Last evaluated: 2024-06-26. Review status: criteria provided, single submitter. Criteria: ACMG Guidelines, 2015. Collection method: clinical testing. Allele origin: germline.

NM_016333.4(SRRM2):c.5079A>G (p.Ser1693=)

Gene: SRRM2 (serine/arginine repetitive matrix 2; plus strand). Cytogenetic location: 16p13.3.
Variant type: single nucleotide variant.
Coding change: c.5079A>G on transcript NM_016333.4 (MANE Select); coding-DNA position 5079, A replaced by G.
Protein change: p.Ser1693=; no amino-acid change (serine 1693 retained).
Molecular consequence: synonymous variant.
Genome position (GRCh38, 1-based): chr16:2,765,607, A>G. VCF-style: chr16-2765607-A-G. GRCh37 (hg19) VCF-style: chr16-2815608-A-G.
Identifiers: ClinVar variation 4872121 (VCV004872121.3).